The following is an entry in ClinVar:

ClinVar aggregate classification (germline): Benign. Review status: criteria provided, multiple submitters, no conflicts (2 of 4 stars). 4 submissions from 4 submitters: Benign (4). Last evaluated 2026-02-01.

Conditions:
Age related macular degeneration 1 (ARMD1). Also called: MACULOPATHY, AGE-RELATED, 1. Identifiers: MedGen C1864205, MONDO:0011285, OMIM 603075.

Allele frequency attached by ClinVar (database versions not stated): gnomAD exomes 0.00050 and 0.00151; 1000 Genomes Project 30x 0.00500; gnomAD 0.00599 and 0.00653; ExAC 0.00186; 1000 Genomes Project 0.00479; TOPMed 0.00674; ESP Exome Variant Server 0.00692.
gnomAD v4.1: 1,670 of 1,613,588 alleles (0.1%); highest among the groups gnomAD compares: African/African-American, 2%; 16 homozygotes.

Submissions (4):

Labcorp Genetics (formerly Invitae), Labcorp
Classification: Benign. Last evaluated: 2026-02-01. Review status: criteria provided, single submitter. Criteria: Invitae Variant Classification Sherloc (09022015). Collection method: clinical testing. Allele origin: germline.

Genome-Nilou Lab
Classification: Benign for Age related macular degeneration 1. Last evaluated: 2023-04-11. Review status: criteria provided, single submitter. Criteria: ACMG Guidelines, 2015. Collection method: clinical testing. Allele origin: germline. Affected: no.

Illumina Laboratory Services, Illumina
Classification: Benign for Age related macular degeneration 1. Last evaluated: 2018-01-13. Review status: criteria provided, single submitter. Criteria: ICSL Variant Classification Criteria 13 December 2019. Collection method: clinical testing. Allele origin: germline.
Comment: This variant was observed in the ICSL laboratory as part of a predisposition screen in an ostensibly healthy population. It had not been previously curated by ICSL or reported in the Human Gene Mutation Database (HGMD: prior to June 1st, 2018), and was therefore a candidate for classification through an automated scoring system. Utilizing variant allele frequency, disease prevalence and penetrance estimates, and inheritance mode, an automated score was calculated to assess if this variant is too frequent to cause the disease. Based on the score and internal cut-off values, a variant classified as benign is not then subjected to further curation. The score for this variant resulted in a classification of benign for this disease.

Breakthrough Genomics
Classification: Benign. Review status: criteria provided, single submitter. Criteria: ACMG Guidelines, 2015. Collection method: not provided. Allele origin: germline. Inheritance: Autosomal dominant inheritance. Affected: yes.

NM_031935.3(HMCN1):c.8757T>C (p.His2919=)

Gene: HMCN1 (hemicentin 1; plus strand). Cytogenetic location: 1q31.1.
Variant type: single nucleotide variant.
Coding change: c.8757T>C on transcript NM_031935.3 (MANE Select); coding-DNA position 8757, T replaced by C.
Protein change: p.His2919=; no amino-acid change (histidine 2919 retained).
Molecular consequence: synonymous variant.
Genome position (GRCh38, 1-based): chr1:186,081,364, T>C. VCF-style: chr1-186081364-T-C. GRCh37 (hg19) VCF-style: chr1-186050496-T-C.
Identifiers: ClinVar variation 767736 (VCV000767736.15), dbSNP rs148188970, ClinGen allele CA1293206.
Genomic context (GRCh38, chr1:186,081,364, plus strand): 5'-CCCAGCACCAAGGAATTCCTGGCAGAAAGATGGACAGCCCTTGCTAGAAGATGACCATCA[T>C]AAATTTCTATCTAATGGACGAATTCTGCAGGTAAAAGTAAAGAAAGATCTAATTTTAAAA-3'
Protein context (NP_114141.2, residues 2909-2929): DGQPLLEDDH[His2919=]KFLSNGRILQ